The following is an entry in ClinVar:

ClinVar aggregate classification (germline): Uncertain significance (1 of 4 stars; one submission).

Conditions:
Autosomal recessive limb-girdle muscular dystrophy type 2P. Also called: MUSCULAR DYSTROPHY-DYSTROGLYCANOPATHY, LIMB-GIRDLE, DAG1-RELATED; Limb-Girdle Muscular Dystrophy Type 9C; MUSCULAR DYSTROPHY, LIMB-GIRDLE, TYPE 2P. Identifiers: Orphanet 280333, MedGen C4511963, MONDO:0013440, OMIM 613818.
Muscular dystrophy-dystroglycanopathy (congenital with brain and eye anomalies), type A9. Also called: Muscular dystrophy-dystroglycanopathy (congenital with brain and eye anomalies), type a, 9; WALKER-WARBURG SYNDROME OR MUSCLE-EYE BRAIN DISEASE, DAG1-RELATED. Identifiers: Orphanet 370997, Orphanet 899, MedGen C4225291, MONDO:0014683, OMIM 616538.

Allele frequency attached by ClinVar (database versions not stated): gnomAD exomes below 0.00001 and 0.00001; ExAC 0.00001; gnomAD 0.00001; TOPMed 0.00001.
gnomAD v4.1: 7 of 1,614,086 alleles (0.00043%); highest among the groups gnomAD compares: Middle Eastern, 0.016%; no homozygotes.

Submission:

Labcorp Genetics (formerly Invitae), Labcorp
Classification: Uncertain significance for Autosomal recessive limb-girdle muscular dystrophy type 2P; Muscular dystrophy-dystroglycanopathy (congenital with brain and eye anomalies), type A9. Last evaluated: 2021-08-26. Review status: criteria provided, single submitter. Criteria: Invitae Variant Classification Sherloc (09022015). Collection method: clinical testing. Allele origin: germline.
Comment: This sequence change replaces arginine with methionine at codon 725 of the DAG1 protein (p.Arg725Met). The arginine residue is weakly conserved and there is a moderate physicochemical difference between arginine and methionine. This variant is present in population databases (rs775808647, ExAC 0.002%). This variant has not been reported in the literature in individuals affected with DAG1-related conditions. Algorithms developed to predict the effect of missense changes on protein structure and function (SIFT, PolyPhen-2, Align-GVGD) all suggest that this variant is likely to be tolerated. In summary, the available evidence is currently insufficient to determine the role of this variant in disease. Therefore, it has been classified as a Variant of Uncertain Significance.

NM_004393.6(DAG1):c.2174G>T (p.Arg725Met)

Gene: DAG1 (dystroglycan 1; plus strand). Cytogenetic location: 3p21.31.
Variant type: single nucleotide variant.
Coding change: c.2174G>T on transcript NM_004393.6 (MANE Select); coding-DNA position 2174, G replaced by T.
Protein change: p.Arg725Met; replaces arginine 725 with methionine.
Molecular consequence: missense variant.
Genome position (GRCh38, 1-based): chr3:49,532,685, G>T. VCF-style: chr3-49532685-G-T. GRCh37 (hg19) VCF-style: chr3-49570118-G-T.
Other names: c.2174G>T, p.Arg725Met (NM_001165928.4, NM_001177634.3, NM_001177635.3 and 9 more transcripts); short protein forms R725M.
Identifiers: ClinVar variation 938817 (VCV000938817.4), dbSNP rs775808647, ClinGen allele CA2399220.